The following is an entry in ClinVar:

NM_000321.3(RB1):c.2396T>A (p.Ile799Asn)

Gene: RB1 (RB transcriptional corepressor 1; plus strand). Cytogenetic location: 13q14.2.
Variant type: single nucleotide variant.
Coding change: c.2396T>A on transcript NM_000321.3 (MANE Select); coding-DNA position 2396, T replaced by A.
Protein change: p.Ile799Asn; replaces isoleucine 799 with asparagine.
Molecular consequence: missense variant.
Genome position (GRCh38, 1-based): chr13:48,465,275, T>A. VCF-style: chr13-48465275-T-A. GRCh37 (hg19) VCF-style: chr13-49039411-T-A.
Other names: c.2396T>A, p.Ile799Asn (NM_001407165.1); short protein forms I799N.
Identifiers: ClinVar variation 2560798 (VCV002560798.5), dbSNP rs1949432954, ClinGen allele CA388167890.

ClinVar aggregate classification (germline): Uncertain significance. Review status: criteria provided, multiple submitters, no conflicts (2 of 4 stars). 3 submissions from 3 submitters: Uncertain significance (3). Last evaluated 2026-01-10.

Conditions:
Hereditary cancer-predisposing syndrome. Also called: Neoplastic Syndromes, Hereditary; Hereditary Cancer Syndrome; Hereditary neoplastic syndrome; Tumor predisposition. Identifiers: Orphanet 140162, MedGen C0027672, MeSH D009386, MONDO:0015356.
Retinoblastoma (RB1). Also called: RETINOBLASTOMA, SOMATIC. Identifiers: Orphanet 790, MedGen C0035335, MeSH D012175, MONDO:0008380, OMIM 180200, HP:0009919. Disease mechanism: loss of function. Inheritance: Both sporadic and heritable forms are tested..

Allele frequency attached by ClinVar (database versions not stated): TOPMed below 0.00001.

Submissions (3):

Labcorp Genetics (formerly Invitae), Labcorp
Classification: Uncertain significance for Retinoblastoma. Last evaluated: 2026-01-10. Review status: criteria provided, single submitter. Criteria: Invitae Variant Classification Sherloc (09022015). Collection method: clinical testing. Allele origin: germline.
Comment: This sequence change replaces isoleucine, which is neutral and non-polar, with asparagine, which is neutral and polar, at codon 799 of the RB1 protein (p.Ile799Asn). This variant is not present in population databases (gnomAD no frequency). This variant has not been reported in the literature in individuals affected with RB1-related conditions. ClinVar contains an entry for this variant (Variation ID: 2560798). Invitae Evidence Modeling of protein sequence and biophysical properties (such as structural, functional, and spatial information, amino acid conservation, physicochemical variation, residue mobility, and thermodynamic stability) indicates that this missense variant is not expected to disrupt RB1 protein function with a negative predictive value of 80%. In summary, the available evidence is currently insufficient to determine the role of this variant in disease. Therefore, it has been classified as a Variant of Uncertain Significance.

All of Us Research Program, National Institutes of Health
Classification: Uncertain significance for Retinoblastoma. Last evaluated: 2023-06-28. Review status: criteria provided, single submitter. Criteria: ACMG Guidelines, 2015. Collection method: clinical testing. Allele origin: germline. Inheritance: Autosomal dominant inheritance. Observed: 1 variant allele, 1 heterozygote.
Comment: This study involves interpretation of variants in research participants for the purpose of population health screening. Participant phenotype was not available at the time of variant classification. Additional details can be found in publication PMID: 35346344, PMCID: PMC8962531

Ambry Genetics
Classification: Uncertain significance for Hereditary cancer-predisposing syndrome. Last evaluated: 2023-03-31. Review status: criteria provided, single submitter. Criteria: Ambry Variant Classification Scheme 2023. Collection method: clinical testing. Allele origin: germline.
Comment: The p.I799N variant (also known as c.2396T>A), located in coding exon 23 of the RB1 gene, results from a T to A substitution at nucleotide position 2396. The isoleucine at codon 799 is replaced by asparagine, an amino acid with dissimilar properties. This amino acid position is conserved. In addition, this alteration is predicted to be tolerated by in silico analysis. Since supporting evidence is limited at this time, the clinical significance of this alteration remains unclear.